The following is an entry in ClinVar:

ClinVar aggregate classification (germline): Uncertain significance (1 of 4 stars; one submission).

Submission:

GeneDx
Classification: Uncertain significance. Last evaluated: 2014-04-04. Review status: criteria provided, single submitter. Criteria: GeneDx Variant Classification (06012015). Collection method: clinical testing. Allele origin: germline. Affected: yes.
Comment: c.1763dupA: p.Asn588LysfsX20 (N588Kfsx20) in exon 13 of the FBN2 gene (NM_001999.3). The normal sequence with the bases that are duplicated in braces is: TAAAA{A}CGGT. The c.1763dupA variant in the FBN2 gene has not been reported to our knowledge. This variant causes a shift in reading frame starting at codon Asparagine588, changing it to a Lysine, and creating a premature stop codon at position 20 of the new reading frame, denoted p.Asn588LysfsX20. This variant may result in an abnormal, truncated protein product or loss of protein from this allele through nonsense-mediated mRNA decay. Most of the mutations reported in FBN2 result in missense substitutions or in-frame exon deletions/duplications, which may suggest a gain-of-function effect. Therefore, loss-of-function mutations may not be a mechanism of disease for FBN2. This variant was found in TAAD

NM_001999.4(FBN2):c.1763dup (p.Asn588fs)

Gene: FBN2 (fibrillin 2; minus strand). Cytogenetic location: 5q23.3.
Variant type: Duplication.
Coding change: c.1763dup on transcript NM_001999.4 (MANE Select); coding-DNA position 1763, one base duplicated (A; older notation c.1763dupA).
Protein change: p.Asn588fs; shifts the reading frame from asparagine 588.
Molecular consequence: frameshift variant.
Genome position (GRCh38, 1-based): chr5:128,377,838, T duplicated on the plus strand (A on the coding strand, the reverse complement: FBN2 is on the minus strand); the first of 5 consecutive T bases (chr5:128,377,838-128,377,842); duplicating any one gives the same sequence. VCF-style (leftmost placement, unchanged base first): chr5-128377837-G-GT. GRCh37 (hg19) VCF-style: chr5-127713530-G-GT.
Other names: short protein forms N588fs.
Identifiers: ClinVar variation 213384 (VCV000213384.1), dbSNP rs863223595, ClinGen allele CA322605.